The following is an entry in ClinVar:

ClinVar aggregate classification (germline): Uncertain significance (1 of 4 stars; one submission).

Conditions:
Cortical dysplasia-focal epilepsy syndrome (PTHSL1). Also called: Pitt-Hopkins-like syndrome 1. Identifiers: Orphanet 163681, Orphanet 221150, MedGen C2750246, MONDO:0012400, OMIM 610042.

Submission:

Labcorp Genetics (formerly Invitae), Labcorp
Classification: Uncertain significance for Cortical dysplasia-focal epilepsy syndrome. Last evaluated: 2022-08-09. Review status: criteria provided, single submitter. Criteria: Invitae Variant Classification Sherloc (09022015). Collection method: clinical testing. Allele origin: germline.
Comment: This variant results in a copy number gain of the genomic region encompassing exon(s) 1-10 of the CNTNAP2 gene. This region includes the initiator codon of the gene. This copy number gain extends beyond the assayed region for this gene and therefore may encompass additional genes. As the precise location of this event is unknown, it may be in tandem or it may be located elsewhere in the genome. This variant has not been reported in the literature in individuals affected with CNTNAP2-related conditions. In summary, the available evidence is currently insufficient to determine the role of this variant in disease. Therefore, it has been classified as a Variant of Uncertain Significance.

NC_000007.13:g.(?_145813093)_(147092892_?)dup

Gene: CNTNAP2 (contactin associated protein 2; plus strand). Cytogenetic location: 7q35.
Variant type: Duplication.
Identifiers: ClinVar variation 1015725 (VCV001015725.7).